The following is an entry in ClinVar:

NM_139319.3(SLC17A8):c.903+1_903+6del

Gene: SLC17A8 (solute carrier family 17 member 8; plus strand). Cytogenetic location: 12q23.1.
Variant type: Deletion.
Coding change: c.903+1_903+6del on transcript NM_139319.3 (MANE Select); the canonical splice donor site of the intron after coding-DNA position 903 through 6 bases into the intron after coding-DNA position 903, 6 bases deleted (GTAAGT; older notation c.903+1_903+6delGTAAGT).
Molecular consequence: splice donor variant.
Genome position (GRCh38, 1-based): chr12:100,402,480-100,402,485, GTAAGT deleted; deleting any 6 consecutive bases within chr12:100,402,475-100,402,485 gives the same sequence; the c. name uses the placement nearest the transcript's 3' end. VCF-style (leftmost placement, unchanged base first): chr12-100402474-CTAAGTG-C. GRCh37 (hg19) VCF-style: chr12-100796252-CTAAGTG-C.
Other names: c.903+1_903+6del (NM_001145288.2).
Identifiers: ClinVar variation 3066296 (VCV003066296.1), dbSNP rs1366688487, ClinGen allele CA607145856.
Genomic context (GRCh38, chr12:100,402,474, plus strand): 5'-TCCAATGAGGAGAAGACCTATATAGAGACAAGCATAGGAGAGGGGGCCAACGTGGTTAGT[CTAAGTG>C]TAAGTATAAAAAGTCAGATGAAGACTTACCTTTTTTCATAAGTGATTGTGTTGCCTTCTT-3'

ClinVar aggregate classification (germline): Likely pathogenic (1 of 4 stars; one submission).

Conditions:
Autosomal dominant nonsyndromic hearing loss 25. Identifiers: Orphanet 90635, MedGen C1854158, MONDO:0011568, OMIM 605583.

Submission:

MVZ Medizinische Genetik Mainz
Classification: Likely pathogenic for Autosomal dominant nonsyndromic hearing loss 25. Last evaluated: 2023-06-20. Review status: criteria provided, single submitter. Criteria: UK Practice Guidelines For Variant Classification V4 01 2020. Collection method: clinical testing. Allele origin: germline. Inheritance: Autosomal dominant inheritance. Affected: yes. Observed: 1 variant allele.
Comment: ACMG Criteria: PVS1,PM2_SUP